The following is an entry in ClinVar:

NM_001680.5(FXYD2):c.46G>C (p.Val16Leu)

Genes: FXYD2 (FXYD domain containing ion transport regulator 2; minus strand), FXYD6-FXYD2 (FXYD6-FXYD2 readthrough; minus strand). Cytogenetic location: 11q23.3.
Variant type: single nucleotide variant.
Coding change: c.46G>C on transcript NM_001680.5 (MANE Select); coding-DNA position 46, G replaced by C.
Protein change: p.Val16Leu; replaces valine 16 with leucine.
Molecular consequence: missense variant.
Genome position (GRCh38, 1-based): chr11:117,822,697, C>G on the plus strand (G>C on the coding strand, the complement: FXYD2 is on the minus strand). VCF-style: chr11-117822697-C-G. GRCh37 (hg19) VCF-style: chr11-117693412-C-G.
Other names: c.280G>C, p.Val94Leu (NM_001204268.3); c.293G>C, p.Arg98Pro (NM_001243598.4); c.40G>C, p.Val14Leu (NM_021603.4); short protein forms R98P, V16L, V14L, V94L.
Identifiers: ClinVar variation 4716349 (VCV004716349.1).

ClinVar aggregate classification (germline): Uncertain significance (1 of 4 stars; one submission).

Submission:

Labcorp Genetics (formerly Invitae), Labcorp
Classification: Uncertain significance. Last evaluated: 2025-08-08. Review status: criteria provided, single submitter. Criteria: Invitae Variant Classification Sherloc (09022015). Collection method: clinical testing. Allele origin: germline.
Comment: This sequence change replaces valine, which is neutral and non-polar, with leucine, which is neutral and non-polar, at codon 16 of the FXYD2 protein (p.Val16Leu). This variant is not present in population databases (gnomAD no frequency). This variant has not been reported in the literature in individuals affected with FXYD2-related conditions. An algorithm developed to predict the effect of missense changes on protein structure and function (PolyPhen-2) suggests that this variant is likely to be tolerated. In summary, the available evidence is currently insufficient to determine the role of this variant in disease. Therefore, it has been classified as a Variant of Uncertain Significance.